The following is an entry in ClinVar:

NM_000186.4(CFH):c.663A>G (p.Ile221Met)

Gene: CFH (complement factor H; plus strand). Cytogenetic location: 1q31.3.
Variant type: single nucleotide variant.
Coding change: c.663A>G on transcript NM_000186.4 (MANE Select); coding-DNA position 663, A replaced by G.
Protein change: p.Ile221Met; replaces isoleucine 221 with methionine.
Molecular consequence: missense variant.
Genome position (GRCh38, 1-based): chr1:196,679,666, A>G. VCF-style: chr1-196679666-A-G. GRCh37 (hg19) VCF-style: chr1-196648796-A-G.
Other names: c.663A>G, p.Ile221Met (NM_001014975.3); short protein forms I221M.
Identifiers: ClinVar variation 4767693 (VCV004767693.1).

ClinVar aggregate classification (germline): Uncertain significance (1 of 4 stars; one submission).

gnomAD v4.1: 1 of 1,607,218 alleles (0.000062%); highest among the groups gnomAD compares: East Asian, 0.0022%; no homozygotes.

Submission:

Labcorp Genetics (formerly Invitae), Labcorp
Classification: Uncertain significance. Last evaluated: 2025-11-20. Review status: criteria provided, single submitter. Criteria: Invitae Variant Classification Sherloc (09022015). Collection method: clinical testing. Allele origin: germline.
Comment: This sequence change replaces isoleucine, which is neutral and non-polar, with methionine, which is neutral and non-polar, at codon 221 of the CFH protein (p.Ile221Met). This variant is present in population databases (no rsID available, gnomAD 0.006%). This variant has not been reported in the literature in individuals affected with CFH-related conditions. An algorithm developed to predict the effect of missense changes on protein structure and function (PolyPhen-2) suggests that this variant is likely to be tolerated. In summary, the available evidence is currently insufficient to determine the role of this variant in disease. Therefore, it has been classified as a Variant of Uncertain Significance.